The following is an entry in ClinVar:

NM_015512.5(DNAH1):c.10689G>A (p.Pro3563=)

Gene: DNAH1 (dynein axonemal heavy chain 1; plus strand). Cytogenetic location: 3p21.1.
Variant type: single nucleotide variant.
Coding change: c.10689G>A on transcript NM_015512.5 (MANE Select); coding-DNA position 10689, G replaced by A.
Protein change: p.Pro3563=; no amino-acid change (proline 3563 retained).
Molecular consequence: synonymous variant.
Genome position (GRCh38, 1-based): chr3:52,394,527, G>A. VCF-style: chr3-52394527-G-A. GRCh37 (hg19) VCF-style: chr3-52428543-G-A.
Identifiers: ClinVar variation 1597846 (VCV001597846.15), dbSNP rs551397999, ClinGen allele CA2435925.

ClinVar aggregate classification (germline): Likely benign. Review status: criteria provided, multiple submitters, no conflicts (2 of 4 stars). 2 submissions from 2 submitters: Likely benign (2). Last evaluated 2026-01-12.

Conditions:
Spermatogenic failure 18. Identifiers: MedGen C4539783, MONDO:0054615, OMIM 617576.
Ciliary dyskinesia, primary, 37 (CILD37). Also called: CILIARY DYSKINESIA, PRIMARY, 37, WITH OR WITHOUT SITUS INVERSUS. Identifiers: MedGen C4539798, MONDO:0033204, OMIM 617577.

Allele frequency attached by ClinVar (database versions not stated): gnomAD exomes 0.00004 and 0.00005; ExAC 0.00005; gnomAD 0.00006 and 0.00007; TOPMed 0.00007; 1000 Genomes Project 30x 0.00016; 1000 Genomes Project 0.00020.
gnomAD v4.1: 65 of 1,614,010 alleles (0.004%); highest among the groups gnomAD compares: Middle Eastern, 0.016%; no homozygotes.

Submissions (2):

Labcorp Genetics (formerly Invitae), Labcorp
Classification: Likely benign for Ciliary dyskinesia, primary, 37; Spermatogenic failure 18. Last evaluated: 2026-01-12. Review status: criteria provided, single submitter. Criteria: Invitae Variant Classification Sherloc (09022015). Collection method: clinical testing. Allele origin: germline.

CeGaT Center for Human Genetics Tuebingen
Classification: Likely benign. Last evaluated: 2025-10-01. Review status: criteria provided, single submitter. Criteria: CeGaT Center For Human Genetics Tuebingen Variant Classification Criteria Version 2. Collection method: clinical testing. Allele origin: germline. Affected: yes. Observed: 1 variant allele.
Comment: DNAH1: BP4, BP7